The following is an entry in ClinVar:

NM_004595.5(SMS):c.1020A>G (p.Glu340=)

Gene: SMS (spermine synthase; plus strand). Cytogenetic location: Xp22.11.
Variant type: single nucleotide variant.
Coding change: c.1020A>G on transcript NM_004595.5 (MANE Select); coding-DNA position 1020, A replaced by G.
Protein change: p.Glu340=; no amino-acid change (glutamic acid 340 retained).
Molecular consequence: synonymous variant.
Genome position (GRCh38, 1-based): chrX:21,992,671, A>G. VCF-style: chrX-21992671-A-G. GRCh37 (hg19) VCF-style: chrX-22010789-A-G.
Other names: c.861A>G, p.Glu287= (NM_001258423.2).
Identifiers: ClinVar variation 3047524 (VCV003047524.2), dbSNP rs754800675, ClinGen allele CA10367906.

ClinVar aggregate classification (germline): Likely benign (0 of 4 stars; one submission).

Conditions:
SMS-related disorder. Also called: SMS-related condition.

Allele frequency attached by ClinVar (database versions not stated): gnomAD exomes below 0.00001; ExAC 0.00001.
gnomAD v4.1: 5 of 1,199,209 alleles (0.00042%); highest among the groups gnomAD compares: South Asian, 0.0088%; no homozygotes.

Submission:

PreventionGenetics, part of Exact Sciences
Classification: Likely benign for SMS-related condition. Last evaluated: 2019-04-09. Review status: no assertion criteria provided. Collection method: clinical testing. Allele origin: germline.
Comment: This variant is classified as likely benign based on ACMG/AMP sequence variant interpretation guidelines (Richards et al. 2015 PMID: 25741868, with internal and published modifications).